The following is an entry in ClinVar:

NM_000492.4(CFTR):c.1585-9395C>G

Gene: CFTR (CF transmembrane conductance regulator; plus strand). Cytogenetic location: 7q31.2.
Variant type: single nucleotide variant.
Coding change: c.1585-9395C>G on transcript NM_000492.4 (MANE Select); 9395 bases into the intron before coding-DNA position 1585, C replaced by G.
Molecular consequence: intron variant.
Genome position (GRCh38, 1-based): chr7:117,578,344, C>G. VCF-style: chr7-117578344-C-G. GRCh37 (hg19) VCF-style: chr7-117218398-C-G.
Identifiers: ClinVar variation 619833 (VCV000619833.32), dbSNP rs77164005, ClinGen allele CA164942053.

ClinVar aggregate classification (germline): Conflicting classifications of pathogenicity. Review status: criteria provided, conflicting classifications (1 of 4 stars). 4 submissions from 4 submitters: Uncertain significance (1); Likely benign (2). 1 of the submissions does not count toward it. Last evaluated 2026-05-01.

Conditions:
CFTR-related disorder (CFTR-RD). Also called: CFTR-related disorders; CFTR-related condition. Identifiers: MedGen C5924204, MONDO:7770004.

Allele frequency attached by ClinVar (database versions not stated): 1000 Genomes Project 30x 0.00047; 1000 Genomes Project 0.00060; gnomAD 0.00217 and 0.00223; TOPMed 0.00236.
gnomAD v4.1: 328 of 152,136 alleles (0.22%); highest among the groups gnomAD compares: Non-Finnish European, 0.39%; 3 homozygotes.

Submissions (4):

CeGaT Center for Human Genetics Tuebingen
Classification: Likely benign. Last evaluated: 2026-05-01. Review status: criteria provided, single submitter. Criteria: CeGaT Center For Human Genetics Tuebingen Variant Classification Criteria Version 2. Collection method: clinical testing. Allele origin: germline. Affected: yes. Observed: 4 variant alleles.
Comment: CFTR: BS2

Quest Diagnostics Nichols Institute San Juan Capistrano
Classification: Uncertain significance. Last evaluated: 2025-09-03. Review status: criteria provided, single submitter. Criteria: Quest Diagnostics criteria. Collection method: clinical testing. Allele origin: unknown.

Blueprint Genetics
Classification: Likely benign. Last evaluated: 2024-11-04. Review status: criteria provided, single submitter. Criteria: ACMG Guidelines, 2015. Collection method: clinical testing. Allele origin: germline.

PreventionGenetics, part of Exact Sciences
Classification: Likely benign for CFTR-related condition. Last evaluated: 2021-04-22. Review status: no assertion criteria provided. Collection method: clinical testing. Allele origin: germline. Not counted in ClinVar's aggregate classification.
Comment: This variant is classified as likely benign based on ACMG/AMP sequence variant interpretation guidelines (Richards et al. 2015 PMID: 25741868, with internal and published modifications).